The following is an entry in ClinVar:

ClinVar aggregate classification (germline): Uncertain significance. Review status: criteria provided, multiple submitters, no conflicts (2 of 4 stars). 6 submissions from 6 submitters: Uncertain significance (6). Last evaluated 2024-11-12.

Conditions:
Ovarian cancer. Also called: OVARIAN CANCER, SOMATIC. Identifiers: Orphanet 213500, MedGen C1140680, MONDO:0008170, OMIM 167000.
Hereditary diffuse gastric adenocarcinoma (HDGC). Also called: DIFFUSE GASTRIC AND LOBULAR BREAST CANCER SYNDROME. Identifiers: Orphanet 26106, MedGen C1708349, MONDO:0007648, OMIM 137215.
Familial cancer of breast. Also called: BREAST CANCER, FAMILIAL; Hereditary breast cancer; hereditary breast carcinoma. Identifiers: Orphanet 227535, MedGen C0346153, MONDO:0016419, OMIM 114480. Disease mechanism: loss of function.
Blepharocheilodontic syndrome 1 (BCDS1). Identifiers: Orphanet 1997, MedGen C4551988, MONDO:0054740, OMIM 119580.
Endometrial carcinoma. Also called: Endometrial carcinoma, somatic. Identifiers: MedGen C0476089, MONDO:0002447, OMIM 608089, HP:0012114.
Hereditary cancer-predisposing syndrome. Also called: Tumor predisposition; Neoplastic Syndromes, Hereditary; Hereditary Cancer Syndrome; Hereditary neoplastic syndrome. Identifiers: Orphanet 140162, MedGen C0027672, MeSH D009386, MONDO:0015356.

Allele frequency attached by ClinVar (database versions not stated): gnomAD exomes below 0.00001; ExAC 0.00001.
gnomAD v4.1: 3 of 1,614,086 alleles (0.00019%); highest among the groups gnomAD compares: Non-Finnish European, 0.00017%; no homozygotes.

Submissions (6):

Ambry Genetics
Classification: Uncertain significance for Hereditary cancer-predisposing syndrome. Last evaluated: 2024-11-12. Review status: criteria provided, single submitter. Criteria: Ambry Variant Classification Scheme 2023. Collection method: clinical testing. Allele origin: germline.
Comment: The p.R550T variant (also known as c.1649G>C), located in coding exon 11 of the CDH1 gene, results from a G to C substitution at nucleotide position 1649. The arginine at codon 550 is replaced by threonine, an amino acid with similar properties. This amino acid position is highly conserved in available vertebrate species. In addition, this alteration is predicted to be deleterious by in silico analysis. Based on the available evidence, the clinical significance of this variant remains unclear.

Labcorp Genetics (formerly Invitae), Labcorp
Classification: Uncertain significance for Hereditary diffuse gastric adenocarcinoma. Last evaluated: 2024-06-05. Review status: criteria provided, single submitter. Criteria: Invitae Variant Classification Sherloc (09022015). Collection method: clinical testing. Allele origin: germline.
Comment: This sequence change replaces arginine, which is basic and polar, with threonine, which is neutral and polar, at codon 550 of the CDH1 protein (p.Arg550Thr). This variant is present in population databases (rs771649648, gnomAD 0.0009%). This variant has not been reported in the literature in individuals affected with CDH1-related conditions. ClinVar contains an entry for this variant (Variation ID: 629921). An algorithm developed to predict the effect of missense changes on protein structure and function (PolyPhen-2) suggests that this variant is likely to be disruptive. In summary, the available evidence is currently insufficient to determine the role of this variant in disease. Therefore, it has been classified as a Variant of Uncertain Significance.

Fulgent Genetics
Classification: Uncertain significance for Familial cancer of breast; Blepharocheilodontic syndrome 1; Hereditary diffuse gastric adenocarcinoma; Ovarian cancer; Endometrial carcinoma. Last evaluated: 2024-02-07. Review status: criteria provided, single submitter. Criteria: ACMG Guidelines, 2015. Collection method: clinical testing. Allele origin: germline.

Color Diagnostics, LLC DBA Color Health
Classification: Uncertain significance for Hereditary cancer-predisposing syndrome. Last evaluated: 2023-12-05. Review status: criteria provided, single submitter. Criteria: ACMG Guidelines, 2015. Collection method: clinical testing. Allele origin: germline.
Comment: This missense variant replaces arginine with threonine at codon 550 of the CDH1 protein. To our knowledge, functional studies have not been reported for this variant. This variant has not been reported in individuals affected with CDH1-related disorders in the literature. This variant has been identified in 1/251482 chromosomes in the general population by the Genome Aggregation Database (gnomAD). The available evidence is insufficient to determine the role of this variant in disease conclusively. Therefore, this variant is classified as a Variant of Uncertain Significance.

Quest Diagnostics Nichols Institute San Juan Capistrano
Classification: Uncertain significance. Last evaluated: 2023-05-01. Review status: criteria provided, single submitter. Criteria: Quest Diagnostics criteria. Collection method: clinical testing. Allele origin: unknown.
Comment: This variant has not been reported in the published literature. The frequency of this variant in the general population, 0.000004 (1/251482 chromosomes), is uninformative in assessment of its pathogenicity. Analysis of this variant using bioinformatics tools for the prediction of the effect of amino acid changes on protein structure and function yielded predictions that this variant is damaging. Based on the available information, we are unable to determine the clinical significance of this variant.

GeneDx
Classification: Uncertain significance. Last evaluated: 2019-12-27. Review status: criteria provided, single submitter. Criteria: GeneDx Variant Classification Process June 2021. Collection method: clinical testing. Allele origin: germline. Affected: yes.
Comment: Not observed at a significant frequency in large population cohorts (Lek et al., 2016); In silico analysis, which includes protein predictors and evolutionary conservation, supports a deleterious effect; Has not been previously published as pathogenic or benign to our knowledge

NM_004360.5(CDH1):c.1649G>C (p.Arg550Thr)

Gene: CDH1 (cadherin 1; plus strand). Cytogenetic location: 16q22.1.
Variant type: single nucleotide variant.
Coding change: c.1649G>C on transcript NM_004360.5 (MANE Select); coding-DNA position 1649, G replaced by C.
Protein change: p.Arg550Thr; replaces arginine 550 with threonine.
Molecular consequence: missense variant. On other transcripts: intron variant (1).
Genome position (GRCh38, 1-based): chr16:68,819,363, G>C. VCF-style: chr16-68819363-G-C. GRCh37 (hg19) VCF-style: chr16-68853266-G-C.
Other names: c.1649G>C (LRG_301t1); c.1466G>C, p.Arg489Thr (NM_001317184.2); c.101G>C, p.Arg34Thr (NM_001317185.2); c.-254-2638G>C (NM_001317186.2); short protein forms R550T, R34T, R489T.
Identifiers: ClinVar variation 629921 (VCV000629921.19), dbSNP rs771649648, ClinGen allele CA8130119.